The following is an entry in ClinVar:

ClinVar aggregate classification (germline): Pathogenic (1 of 4 stars; one submission).

Conditions:
Duchenne muscular dystrophy (DMD). Also called: Duchenne Muscular Dystrophy (DMD); MUSCULAR DYSTROPHY, PSEUDOHYPERTROPHIC PROGRESSIVE, DUCHENNE TYPE. Identifiers: Orphanet 98896, MedGen C0013264, MONDO:0010679, OMIM 310200.

Submission:

Neuromuscular Diagnostic Laboratory, American University of Beirut Medical Center
Classification: Pathogenic for Duchenne muscular dystrophy. Last evaluated: 2018-10-10. Review status: criteria provided, single submitter. Criteria: ACMG Guidelines, 2015. Collection method: research. Allele origin: inherited. Inheritance: X-linked recessive inheritance. Affected: yes. Observed: 1 hemizygote.
Comment: Clinical and pathologic investigations are consistent with a Duchenne muscular dystrophy.

NM_004006.3(DMD):c.8756_8763del (p.Asn2919fs)

Gene: DMD (dystrophin; minus strand). Cytogenetic location: Xp21.2.
Variant type: Deletion.
Coding change: c.8756_8763del on transcript NM_004006.3 (MANE Select); coding-DNA positions 8756 to 8763, 8 bases deleted (ACCTGCAC; older notation c.8756_8763delACCTGCAC).
Protein change: p.Asn2919fs; shifts the reading frame from asparagine 2919.
Molecular consequence: frameshift variant.
Genome position (GRCh38, 1-based): chrX:31,478,280-31,478,287, GTGCAGGT deleted on the plus strand (ACCTGCAC on the coding strand, the reverse complement: DMD is on the minus strand). VCF-style (leftmost placement, unchanged base first): chrX-31478279-AGTGCAGGT-A. GRCh37 (hg19) VCF-style: chrX-31496396-AGTGCAGGT-A.
Other names: c.8732_8739del, p.Asn2911fs (NM_000109.4); c.8744_8751del, p.Asn2915fs (NM_004009.3); c.8387_8394del, p.Asn2796fs (NM_004010.3); c.4733_4740del, p.Asn1578fs (NM_004011.4); c.4724_4731del, p.Asn1575fs (NM_004012.4); c.1376_1383del, p.Asn459fs (NM_004013.3, NM_004020.4, NM_004021.3 and 2 more transcripts); c.569_576del, p.Asn190fs (NM_004014.3); short protein forms N1575fs, N1578fs, N190fs, N2796fs, N2911fs, N2915fs, N2919fs, N459fs.
Identifiers: ClinVar variation 917404 (VCV000917404.3), dbSNP rs2067963703, ClinGen allele CA1139667351.